The following is an entry in ClinVar:

ClinVar aggregate classification (germline): Uncertain significance (1 of 4 stars; one submission).

Conditions:
Spastic paraplegia. Identifiers: MedGen C0037772, HP:0001258.

gnomAD v4.1: 1 of 1,612,944 alleles (0.000062%); highest among the groups gnomAD compares: Admixed American, 0.0017%; no homozygotes.

Submission:

Labcorp Genetics (formerly Invitae), Labcorp
Classification: Uncertain significance for Spastic paraplegia. Last evaluated: 2024-04-02. Review status: criteria provided, single submitter. Criteria: Invitae Variant Classification Sherloc (09022015). Collection method: clinical testing. Allele origin: germline.
Comment: This sequence change replaces valine, which is neutral and non-polar, with methionine, which is neutral and non-polar, at codon 253 of the GJC2 protein (p.Val253Met). This variant is not present in population databases (gnomAD no frequency). This variant has not been reported in the literature in individuals affected with GJC2-related conditions. Algorithms developed to predict the effect of missense changes on protein structure and function output the following: SIFT: "Not Available"; PolyPhen-2: "Benign"; Align-GVGD: "Not Available". The methionine amino acid residue is found in multiple mammalian species, which suggests that this missense change does not adversely affect protein function. In summary, the available evidence is currently insufficient to determine the role of this variant in disease. Therefore, it has been classified as a Variant of Uncertain Significance.

NM_020435.4(GJC2):c.757G>A (p.Val253Met)

Gene: GJC2 (gap junction protein gamma 2; plus strand). Cytogenetic location: 1q42.13.
Variant type: single nucleotide variant.
Coding change: c.757G>A on transcript NM_020435.4 (MANE Select); coding-DNA position 757, G replaced by A.
Protein change: p.Val253Met; replaces valine 253 with methionine.
Molecular consequence: missense variant.
Genome position (GRCh38, 1-based): chr1:228,158,515, G>A. VCF-style: chr1-228158515-G-A. GRCh37 (hg19) VCF-style: chr1-228346216-G-A.
Other names: short protein forms V253M.
Identifiers: ClinVar variation 3679914 (VCV003679914.2).